The following is an entry in ClinVar:

ClinVar aggregate classification (germline): Likely benign (1 of 4 stars; one submission).

Allele frequency attached by ClinVar (database versions not stated): gnomAD exomes 0.00012; gnomAD 0.00058 and 0.00061; TOPMed 0.00066.
gnomAD v4.1: 90 of 169,966 alleles (0.053%); highest among the groups gnomAD compares: African/African-American, 0.022%; no homozygotes.

Submission:

GeneDx
Classification: Likely benign. Last evaluated: 2017-12-05. Review status: criteria provided, single submitter. Criteria: GeneDx Variant Classification (06012015). Collection method: clinical testing. Allele origin: germline. Affected: yes.
Comment: This variant is considered likely benign or benign based on one or more of the following criteria: it is a conservative change, it occurs at a poorly conserved position in the protein, it is predicted to be benign by multiple in silico algorithms, and/or has population frequency not consistent with disease.

NM_152713.5(STT3A):c.-36+17A>G

Gene: STT3A (STT3 oligosaccharyltransferase complex catalytic subunit A; plus strand). Cytogenetic location: 11q24.2.
Variant type: single nucleotide variant.
Coding change: c.-36+17A>G on transcript NM_152713.5 (MANE Select); 17 bases into the intron after 36 bases upstream of the start codon, A replaced by G.
Molecular consequence: intron variant.
Genome position (GRCh38, 1-based): chr11:125,592,935, A>G. VCF-style: chr11-125592935-A-G. GRCh37 (hg19) VCF-style: chr11-125462830-A-G.
Other names: c.-124+17A>G (NM_001278503.2); c.-189+17A>G (NM_001278504.2).
Identifiers: ClinVar variation 387269 (VCV000387269.1), dbSNP rs866141679, ClinGen allele CA16606270.